The following is an entry in ClinVar:

NM_003114.5(SPAG1):c.1113_1149del (p.Gly372fs)

Gene: SPAG1 (sperm associated antigen 1; plus strand). Cytogenetic location: 8q22.2.
Variant type: Deletion.
Coding change: c.1113_1149del on transcript NM_003114.5 (MANE Select); coding-DNA positions 1113 to 1149, 37 bases deleted.
Protein change: p.Gly372fs; shifts the reading frame from glycine 372.
Molecular consequence: frameshift variant.
Genome position (GRCh38, 1-based): chr8:100,213,106-100,213,142, 37 bases deleted; deleting any 37 consecutive bases within chr8:100,213,103-100,213,142 gives the same sequence; the c. name uses the placement nearest the transcript's 3' end. GRCh37 (hg19): chr8:101,225,334-101,225,370.
Other names: c.1113_1149del, p.Gly372fs (NM_001374321.1, NM_172218.3); short protein forms G372fs.
Identifiers: ClinVar variation 1323639 (VCV001323639.7), dbSNP rs771209739, ClinGen allele CA4827465.

ClinVar aggregate classification (germline): Pathogenic. Review status: criteria provided, multiple submitters, no conflicts (2 of 4 stars). 2 submissions from 2 submitters: Pathogenic (2). Last evaluated 2024-01-05.

Conditions:
Primary ciliary dyskinesia 28. Also called: CILIARY DYSKINESIA, PRIMARY, 28, WITH OR WITHOUT SITUS INVERSUS. Identifiers: Orphanet 244, MedGen C3809706, MONDO:0014216, OMIM 615505.

Submissions (2):

Labcorp Genetics (formerly Invitae), Labcorp
Classification: Pathogenic for Primary ciliary dyskinesia 28. Last evaluated: 2024-01-05. Review status: criteria provided, single submitter. Criteria: Invitae Variant Classification Sherloc (09022015). Collection method: clinical testing. Allele origin: germline.
Comment: This sequence change creates a premature translational stop signal (p.Gly372Thrfs*6) in the SPAG1 gene. It is expected to result in an absent or disrupted protein product. Loss-of-function variants in SPAG1 are known to be pathogenic (PMID: 24055112). This variant is present in population databases (rs771209739, gnomAD 0.006%). This variant has not been reported in the literature in individuals affected with SPAG1-related conditions. ClinVar contains an entry for this variant (Variation ID: 1323639). For these reasons, this variant has been classified as Pathogenic.

Revvity Omics, Revvity
Classification: Pathogenic for Primary ciliary dyskinesia 28. Last evaluated: 2019-12-16. Review status: criteria provided, single submitter. Criteria: ACMG Guidelines, 2015. Collection method: clinical testing. Allele origin: germline.

Literature cited by the submitters: PubMed 24055112 (cited by Labcorp Genetics (formerly Invitae), Labcorp).